The following is an entry in ClinVar:

NM_001127644.2(GABRA1):c.1069G>A (p.Val357Ile)

Gene: GABRA1 (gamma-aminobutyric acid type A receptor subunit alpha1; plus strand). Cytogenetic location: 5q34.
Variant type: single nucleotide variant.
Coding change: c.1069G>A on transcript NM_001127644.2 (MANE Select); coding-DNA position 1069, G replaced by A.
Protein change: p.Val357Ile; replaces valine 357 with isoleucine.
Molecular consequence: missense variant.
Genome position (GRCh38, 1-based): chr5:161,897,120, G>A. VCF-style: chr5-161897120-G-A. GRCh37 (hg19) VCF-style: chr5-161324126-G-A.
Other names: c.1069G>A, p.Val357Ile (NM_000806.5, NM_001127643.2, NM_001127645.2 and 1 more transcripts); short protein forms V357I.
Identifiers: ClinVar variation 1720110 (VCV001720110.5), dbSNP rs2532295515, ClinGen allele CA362180571.

ClinVar aggregate classification (germline): Uncertain significance (1 of 4 stars; one submission).

Conditions:
Epilepsy, idiopathic generalized, susceptibility to, 13. Also called: EPILEPSY, JUVENILE MYOCLONIC, SUSCEPTIBILITY TO, 5. Identifiers: Orphanet 307, Orphanet 64280, MedGen C4013473, MONDO:0012627, OMIM 611136.
Epilepsy, childhood absence 4 (ECA4). Also called: EPILEPSY, CHILDHOOD ABSENCE, SUSCEPTIBILITY TO, 4. Identifiers: Orphanet 307, MedGen C1970160.
Idiopathic generalized epilepsy. Also called: EIG; Generalised epilepsy. Identifiers: MedGen C0270850, MONDO:0005579, OMIM 600669.

Submission:

Labcorp Genetics (formerly Invitae), Labcorp
Classification: Uncertain significance for Epilepsy, childhood absence 4; Epilepsy, idiopathic generalized, susceptibility to, 13; Idiopathic generalized epilepsy. Last evaluated: 2022-09-23. Review status: criteria provided, single submitter. Criteria: Invitae Variant Classification Sherloc (09022015). Collection method: clinical testing. Allele origin: germline.
Comment: This sequence change replaces valine, which is neutral and non-polar, with isoleucine, which is neutral and non-polar, at codon 357 of the GABRA1 protein (p.Val357Ile). In summary, the available evidence is currently insufficient to determine the role of this variant in disease. Therefore, it has been classified as a Variant of Uncertain Significance. Advanced modeling of protein sequence and biophysical properties (such as structural, functional, and spatial information, amino acid conservation, physicochemical variation, residue mobility, and thermodynamic stability) performed at Invitae indicates that this missense variant is not expected to disrupt GABRA1 protein function. This variant has not been reported in the literature in individuals affected with GABRA1-related conditions. This variant is not present in population databases (gnomAD no frequency).